The following is an entry in ClinVar:

NM_002163.4(IRF8):c.1173dup (p.Gln392fs)

Gene: IRF8 (interferon regulatory factor 8; plus strand). Cytogenetic location: 16q24.1.
Variant type: Duplication.
Coding change: c.1173dup on transcript NM_002163.4 (MANE Select); coding-DNA position 1173, one base duplicated (G; older notation c.1173dupG).
Protein change: p.Gln392fs; shifts the reading frame from glutamine 392.
Molecular consequence: frameshift variant.
Genome position (GRCh38, 1-based): chr16:85,921,174, G duplicated. VCF-style (leftmost placement, unchanged base first): chr16-85921173-T-TG. GRCh37 (hg19) VCF-style: chr16-85954779-T-TG.
Other names: c.1203dup, p.Gln402fs (NM_001363907.1); c.561dup, p.Gln188fs (NM_001363908.1); short protein forms Q188fs, Q392fs, Q402fs.
Identifiers: ClinVar variation 3027067 (VCV003027067.22), dbSNP rs2545010893, ClinGen allele CA2740093447.

ClinVar aggregate classification (germline): Uncertain significance (1 of 4 stars; one submission).

Submission:

CeGaT Center for Human Genetics Tuebingen
Classification: Uncertain significance. Last evaluated: 2024-02-01. Review status: criteria provided, single submitter. Criteria: CeGaT Center For Human Genetics Tuebingen Variant Classification Criteria Version 2. Collection method: clinical testing. Allele origin: germline. Affected: yes. Observed: 1 variant allele.
Comment: IRF8: PM2, PS2:Supporting